The following is an entry in ClinVar:

ClinVar aggregate classification (germline): Uncertain significance (1 of 4 stars; one submission).

Conditions:
Developmental and epileptic encephalopathy, 23 (DEE23). Also called: Epileptic encephalopathy, early infantile, 23. Identifiers: Orphanet 411986, MedGen C4014492, MONDO:0014371, OMIM 615859.

Allele frequency attached by ClinVar (database versions not stated): gnomAD exomes below 0.00001; gnomAD 0.00001.

Submission:

Labcorp Genetics (formerly Invitae), Labcorp
Classification: Uncertain significance for Developmental and epileptic encephalopathy, 23. Last evaluated: 2022-02-15. Review status: criteria provided, single submitter. Criteria: Invitae Variant Classification Sherloc (09022015). Collection method: clinical testing. Allele origin: germline.
Comment: This sequence change replaces methionine, which is neutral and non-polar, with valine, which is neutral and non-polar, at codon 1240 of the DOCK7 protein (p.Met1240Val). This variant is present in population databases (no rsID available, gnomAD 0.003%). This variant has not been reported in the literature in individuals affected with DOCK7-related conditions. ClinVar contains an entry for this variant (Variation ID: 475141). Algorithms developed to predict the effect of missense changes on protein structure and function (SIFT, PolyPhen-2, Align-GVGD) all suggest that this variant is likely to be tolerated. In summary, the available evidence is currently insufficient to determine the role of this variant in disease. Therefore, it has been classified as a Variant of Uncertain Significance.

NM_001367561.1(DOCK7):c.3718A>G (p.Met1240Val)

Gene: DOCK7 (dedicator of cytokinesis 7; minus strand). Cytogenetic location: 1p31.3.
Variant type: single nucleotide variant.
Coding change: c.3718A>G on transcript NM_001367561.1 (MANE Select); coding-DNA position 3718, A replaced by G.
Protein change: p.Met1240Val; replaces methionine 1240 with valine.
Molecular consequence: missense variant.
Genome position (GRCh38, 1-based): chr1:62,529,340, T>C on the plus strand (A>G on the coding strand, the complement: DOCK7 is on the minus strand). VCF-style: chr1-62529340-T-C. GRCh37 (hg19) VCF-style: chr1-62995011-T-C.
Other names: c.3718A>G, p.Met1240Val (NM_001271999.2, NM_001330614.2); c.3625A>G, p.Met1209Val (NM_001272000.2, NM_001272001.2, NM_033407.4); short protein forms M1209V, M1240V.
Identifiers: ClinVar variation 475141 (VCV000475141.6), dbSNP rs1280979609, ClinGen allele CA340600727.